The following is an entry in ClinVar:

ClinVar aggregate classification (germline): Uncertain significance. Review status: criteria provided, multiple submitters, no conflicts (2 of 4 stars). 2 submissions from 2 submitters: Uncertain significance (2). Last evaluated 2025-08-07.

Conditions:
Arrhythmogenic right ventricular dysplasia 13. Also called: ARRHYTHMOGENIC RIGHT VENTRICULAR CARDIOMYOPATHY 13; Arrhythmogenic right ventricular dysplasia, familial, 13. Identifiers: MedGen C3810138, MONDO:0000908, OMIM 615616.

Allele frequency attached by ClinVar (database versions not stated): ExAC 0.00002; TOPMed 0.00002; gnomAD 0.00003 and 0.00004; gnomAD exomes 0.00003 and 0.00004.
gnomAD v4.1: 58 of 1,613,920 alleles (0.0036%); highest among the groups gnomAD compares: Non-Finnish European, 0.0044%; no homozygotes.

Submissions (2):

Ambry Genetics
Classification: Uncertain significance. Last evaluated: 2025-08-07. Review status: criteria provided, single submitter. Criteria: Ambry Variant Classification Scheme 2023. Collection method: clinical testing. Allele origin: germline.

Labcorp Genetics (formerly Invitae), Labcorp
Classification: Uncertain significance for Arrhythmogenic right ventricular dysplasia 13. Last evaluated: 2024-03-12. Review status: criteria provided, single submitter. Criteria: Invitae Variant Classification Sherloc (09022015). Collection method: clinical testing. Allele origin: germline.
Comment: This sequence change replaces proline, which is neutral and non-polar, with leucine, which is neutral and non-polar, at codon 265 of the CTNNA3 protein (p.Pro265Leu). This variant is present in population databases (rs151069922, gnomAD 0.008%). This variant has not been reported in the literature in individuals affected with CTNNA3-related conditions. ClinVar contains an entry for this variant (Variation ID: 1428847). Advanced modeling of protein sequence and biophysical properties (such as structural, functional, and spatial information, amino acid conservation, physicochemical variation, residue mobility, and thermodynamic stability) performed at Invitae indicates that this missense variant is not expected to disrupt CTNNA3 protein function with a negative predictive value of 80%. In summary, the available evidence is currently insufficient to determine the role of this variant in disease. Therefore, it has been classified as a Variant of Uncertain Significance.

NM_013266.4(CTNNA3):c.794C>T (p.Pro265Leu)

Gene: CTNNA3 (catenin alpha 3; minus strand). Cytogenetic location: 10q21.3.
Variant type: single nucleotide variant.
Coding change: c.794C>T on transcript NM_013266.4 (MANE Select); coding-DNA position 794, C replaced by T.
Protein change: p.Pro265Leu; replaces proline 265 with leucine.
Molecular consequence: missense variant.
Genome position (GRCh38, 1-based): chr10:67,219,656, G>A on the plus strand (C>T on the coding strand, the complement: CTNNA3 is on the minus strand). VCF-style: chr10-67219656-G-A. GRCh37 (hg19) VCF-style: chr10-68979414-G-A.
Other names: c.794C>T, p.Pro265Leu (NM_001127384.3); c.830C>T, p.Pro277Leu (NM_001291133.2); short protein forms P265L, P277L.
Identifiers: ClinVar variation 1428847 (VCV001428847.12), dbSNP rs151069922, ClinGen allele CA5520499.